The following is an entry in ClinVar:

NM_001042492.3(NF1):c.480-1G>C

Gene: NF1 (neurofibromin 1; plus strand). Cytogenetic location: 17q11.2.
Variant type: single nucleotide variant.
Coding change: c.480-1G>C on transcript NM_001042492.3 (MANE Select); the canonical splice acceptor site of the intron before coding-DNA position 480, G replaced by C.
Molecular consequence: splice acceptor variant.
Genome position (GRCh38, 1-based): chr17:31,169,890, G>C. VCF-style: chr17-31169890-G-C. GRCh37 (hg19) VCF-style: chr17-29496908-G-C.
Other names: c.480-1G>C (NM_000267.4, NM_001128147.3).
Identifiers: ClinVar variation 2117467 (VCV002117467.5), dbSNP rs2065902916, ClinGen allele CA398984624.

ClinVar aggregate classification (germline): Pathogenic. Review status: criteria provided, multiple submitters, no conflicts (2 of 4 stars). 2 submissions from 2 submitters: Pathogenic (2). Last evaluated 2026-10-06.

Conditions:
Neurofibromatosis, type 1 (NF1). Also called: VON RECKLINGHAUSEN DISEASE; NEUROFIBROMATOSIS, TYPE I, SOMATIC; Peripheral type neurofibromatosis; Neurofibromatosis, type I. Identifiers: Orphanet 636, MedGen C0027831, MONDO:0018975, OMIM 162200. Disease mechanism: loss of function.

Submissions (2):

NHS Central & South Genomic Laboratory Hub
Classification: Pathogenic for Neurofibromatosis type 1. Last evaluated: 2026-10-06. Review status: criteria provided, single submitter. Criteria: ACMG Guidelines, 2015. Collection method: clinical testing. Allele origin: germline. Affected: yes.

Labcorp Genetics (formerly Invitae), Labcorp
Classification: Pathogenic for Neurofibromatosis, type 1. Last evaluated: 2023-10-23. Review status: criteria provided, single submitter. Criteria: Invitae Variant Classification Sherloc (09022015). Collection method: clinical testing. Allele origin: germline.
Comment: This sequence change affects an acceptor splice site in intron 4 of the NF1 gene. It is expected to disrupt RNA splicing. Variants that disrupt the donor or acceptor splice site typically lead to a loss of protein function (PMID: 16199547), and loss-of-function variants in NF1 are known to be pathogenic (PMID: 10712197, 23913538). This variant is not present in population databases (gnomAD no frequency). Disruption of this splice site has been observed in individual(s) with neurofibromatosis type 1 (PMID: 30001348). It has also been observed to segregate with disease in related individuals. ClinVar contains an entry for this variant (Variation ID: 2117467). Algorithms developed to predict the effect of sequence changes on RNA splicing suggest that this variant may disrupt the consensus splice site. For these reasons, this variant has been classified as Pathogenic.

Literature cited by the submitters: PubMed 16199547 (cited by Labcorp Genetics (formerly Invitae), Labcorp); PubMed 10712197 (cited by Labcorp Genetics (formerly Invitae), Labcorp); PubMed 23913538 (cited by Labcorp Genetics (formerly Invitae), Labcorp); PubMed 30001348 (cited by Labcorp Genetics (formerly Invitae), Labcorp).